The following is an entry in ClinVar:

ClinVar aggregate classification (germline): Uncertain significance (1 of 4 stars; one submission).

Submission:

Women's Health and Genetics/Laboratory Corporation of America, LabCorp
Classification: Uncertain significance. Last evaluated: 2026-03-13. Review status: criteria provided, single submitter. Criteria: LabCorp Variant Classification Summary - May 2015. Collection method: clinical testing. Allele origin: germline.
Comment: Variant summary: COL7A1 c.5487G>T (p.Pro1829Pro) alters a nucleotide located close to a canonical splice site and therefore could affect mRNA splicing, leading to a significantly altered protein sequence. Several computational tools predict a significant impact on normal splicing: Two predict the variant abolishes the canonical 5' splicing donor site and two predict the variant weakens the 5' donor site. However, these predictions have yet to be confirmed by functional studies. The variant was absent in 250906 control chromosomes. The available data on variant occurrences in the general population are insufficient to allow any conclusion about variant significance. To our knowledge, no occurrence of c.5487G>T in individuals affected with COL7A1-related conditions and no experimental evidence demonstrating its impact on protein function have been reported. No submitters have cited clinical-significance assessments for this variant to ClinVar. Based on the evidence outlined above, the variant was classified as uncertain significance.

NM_000094.4(COL7A1):c.5487G>T (p.Pro1829=)

Gene: COL7A1 (collagen type VII alpha 1 chain; minus strand). Cytogenetic location: 3p21.31.
Variant type: single nucleotide variant.
Coding change: c.5487G>T on transcript NM_000094.4 (MANE Select); coding-DNA position 5487, G replaced by T.
Protein change: p.Pro1829=; no amino-acid change (proline 1829 retained).
Molecular consequence: synonymous variant.
Genome position (GRCh38, 1-based): chr3:48,578,453, C>A on the plus strand (G>T on the coding strand, the complement: COL7A1 is on the minus strand). VCF-style: chr3-48578453-C-A. GRCh37 (hg19) VCF-style: chr3-48615886-C-A.
Identifiers: ClinVar variation 4847264 (VCV004847264.1).
Genomic context (GRCh38, chr3:48,578,453, plus strand): 5'-TCGGGGATCGGGTGAGGGTAGTAAGGGGGAAAAGGGGGTAACATGAAAGTCTGGTCTCAC[C>A]GGTAATCCAGGGGGACCAGAGGGGCCAGGGAGGCCCTGTTCTCCACGGAGGCCTGGAAGC-3'
Protein context (NP_000085.1, residues 1819-1839): LPGPSGPPGL[Pro1829=]GKPGEDGKPG